The following is an entry in ClinVar:

ClinVar aggregate classification (germline): Conflicting classifications of pathogenicity. Review status: criteria provided, conflicting classifications (1 of 4 stars). 10 submissions from 10 submitters: Uncertain significance (1); Benign (1); Likely benign (5). 3 of the submissions do not count toward it. Last evaluated 2026-03-27.

Conditions:
TTN-related disorder. Also called: TTN-related disorders; TTN-related condition; TTN-related disease.
Cardiovascular phenotype. Identifiers: MedGen CN230736.
Autosomal recessive limb-girdle muscular dystrophy type 2J (LGMDR10). Also called: Limb-girdle muscular dystrophy, type 2J; MUSCULAR DYSTROPHY, LIMB-GIRDLE, AUTOSOMAL RECESSIVE 10. Identifiers: Orphanet 140922, MedGen C1837342, MONDO:0012127, OMIM 608807.
Dilated cardiomyopathy 1G (CMD1G). Identifiers: Orphanet 154, MedGen C1858763, MONDO:0011400, OMIM 604145.

Allele frequency attached by ClinVar (database versions not stated): ESP Exome Variant Server 0.00008; TOPMed 0.00014; gnomAD exomes 0.00023 and 0.00024; ExAC 0.00025; gnomAD 0.00025 and 0.00027.
gnomAD v4.1: 381 of 1,613,666 alleles (0.024%); highest among the groups gnomAD compares: Non-Finnish European, 0.031%; no homozygotes.

Submissions (10):

Molecular Diagnostic Laboratory for Inherited Cardiovascular Disease, Montreal Heart Institute
Classification: Likely benign. Last evaluated: 2026-03-27. Review status: criteria provided, single submitter. Criteria: ACMG Guidelines, 2015. Collection method: clinical testing. Allele origin: germline. Affected: no.
Comment: BS1;BP7

Labcorp Genetics (formerly Invitae), Labcorp
Classification: Likely benign for Dilated cardiomyopathy 1G; Autosomal recessive limb-girdle muscular dystrophy type 2J. Last evaluated: 2026-02-01. Review status: criteria provided, single submitter. Criteria: Invitae Variant Classification Sherloc (09022015). Collection method: clinical testing. Allele origin: germline.

Blueprint Genetics
Classification: Likely benign. Last evaluated: 2024-10-08. Review status: criteria provided, single submitter. Criteria: ACMG Guidelines, 2015. Collection method: clinical testing. Allele origin: germline.

Women's Health and Genetics/Laboratory Corporation of America, LabCorp
Classification: Likely benign. Last evaluated: 2023-07-09. Review status: criteria provided, single submitter. Criteria: LabCorp Variant Classification Summary - May 2015. Collection method: clinical testing. Allele origin: germline.

Eurofins Ntd Llc (ga)
Classification: Uncertain significance. Last evaluated: 2017-01-25. Review status: criteria provided, single submitter. Criteria: EGL Classification Definitions 2015. Collection method: clinical testing. Allele origin: germline. Observed: 4 variant alleles, 4 heterozygotes.

GeneDx
Classification: Benign. Last evaluated: 2014-08-29. Review status: criteria provided, single submitter. Criteria: GeneDx Variant Classification (06012015). Collection method: clinical testing. Allele origin: germline. Affected: yes.
Comment: This variant is considered likely benign or benign based on one or more of the following criteria: it is a conservative change, it occurs at a poorly conserved position in the protein, it is predicted to be benign by multiple in silico algorithms, and/or has population frequency not consistent with disease.

Ambry Genetics
Classification: Likely benign for Cardiovascular phenotype. Last evaluated: 2013-01-04. Review status: criteria provided, single submitter. Criteria: Ambry Autosomal Dominant and X-Linked criteria (10/2015). Collection method: clinical testing. Allele origin: germline. Observed: 1 variant allele.

PreventionGenetics, part of Exact Sciences
Classification: Likely benign for TTN-related condition. Last evaluated: 2019-10-25. Review status: no assertion criteria provided. Collection method: clinical testing. Allele origin: germline. Not counted in ClinVar's aggregate classification.
Comment: This variant is classified as likely benign based on ACMG/AMP sequence variant interpretation guidelines (Richards et al. 2015 PMID: 25741868, with internal and published modifications).

Clinical Genetics, Academic Medical Center
Classification: Benign. Review status: no assertion criteria provided. Collection method: clinical testing. Allele origin: germline. Affected: yes. Study: VKGL Data-share Consensus. Not counted in ClinVar's aggregate classification.

Joint Genome Diagnostic Labs from Nijmegen and Maastricht, Radboudumc and MUMC+
Classification: Likely benign. Review status: no assertion criteria provided. Collection method: clinical testing. Allele origin: germline. Affected: yes. Study: VKGL Data-share Consensus. Not counted in ClinVar's aggregate classification.

NM_001267550.2(TTN):c.102696C>T (p.Val34232=)

Genes: TTN (titin; minus strand), TTN-AS1 (TTN antisense RNA 1; plus strand). Cytogenetic location: 2q31.2.
Variant type: single nucleotide variant.
Coding change: c.102696C>T on transcript NM_001267550.2 (MANE Select); coding-DNA position 102696, C replaced by T.
Protein change: p.Val34232=; no amino-acid change (valine 34232 retained).
Molecular consequence: synonymous variant.
Genome position (GRCh38, 1-based): chr2:178,533,919, G>A on the plus strand (C>T on the coding strand, the complement: TTN is on the minus strand). VCF-style: chr2-178533919-G-A. GRCh37 (hg19) VCF-style: chr2-179398646-G-A.
Other names: p.V32591V:GTC>GTT; c.94992C>T, p.Val31664= (NM_133378.4); c.75876C>T, p.Val25292= (NM_133432.3); c.76077C>T, p.Val25359= (NM_133437.4); c.97773C>T, p.Val32591= (NM_001256850.1); c.75501C>T, p.Val25167= (NM_003319.4).
Identifiers: ClinVar variation 202284 (VCV000202284.26), dbSNP rs202180775, ClinGen allele CA308978.
Genomic context (GRCh38, chr2:178,533,919, plus strand): 5'-TCTCATTGTGTCTGTTCTGCGCTTAATTTTCTTCATGGTTCTACGGCAGTAATAGTCATA[G>A]ACTTCTCTCACACCTTTAACAAATAGCTCTGCATAAGAACTGTCTTCACCATAGTCATTG-3'
Protein context (NP_001254479.2, residues 34222-34242): AELFVKGVRE[Val34232=]YDYYCRRTMK